The following is an entry in ClinVar:

NM_206937.2(LIG4):c.718A>G (p.Ile240Val)

Gene: LIG4 (DNA ligase 4; minus strand). Cytogenetic location: 13q33.3.
Variant type: single nucleotide variant.
Coding change: c.718A>G on transcript NM_206937.2 (MANE Select); coding-DNA position 718, A replaced by G.
Protein change: p.Ile240Val; replaces isoleucine 240 with valine.
Molecular consequence: missense variant.
Genome position (GRCh38, 1-based): chr13:108,210,551, T>C on the plus strand (A>G on the coding strand, the complement: LIG4 is on the minus strand). VCF-style: chr13-108210551-T-C. GRCh37 (hg19) VCF-style: chr13-108862899-T-C.
Other names: c.718A>G, p.Ile240Val (NM_001098268.2, NM_001352598.2, NM_001352599.2 and 6 more transcripts); c.517A>G, p.Ile173Val (NM_001330595.2); c.754A>G, p.Ile252Val (NM_001352604.2); short protein forms I252V, I240V, I173V.
Identifiers: ClinVar variation 1365039 (VCV001365039.5), dbSNP rs747189258, ClinGen allele CA7043805.

ClinVar aggregate classification (germline): Uncertain significance (1 of 4 stars; one submission).

Conditions:
DNA ligase IV deficiency. Identifiers: Orphanet 99812, MedGen C1847827, MONDO:0011686, OMIM 606593.

Allele frequency attached by ClinVar (database versions not stated): gnomAD 0.00001 and 0.00002; gnomAD exomes 0.00001 and 0.00003; TOPMed 0.00001; ExAC 0.00003.
gnomAD v4.1: 19 of 1,612,538 alleles (0.0012%); highest among the groups gnomAD compares: Middle Eastern, 0.033%; no homozygotes.

Submission:

Labcorp Genetics (formerly Invitae), Labcorp
Classification: Uncertain significance for DNA ligase IV deficiency. Last evaluated: 2026-01-12. Review status: criteria provided, single submitter. Criteria: Invitae Variant Classification Sherloc (09022015). Collection method: clinical testing. Allele origin: germline.
Comment: This sequence change replaces isoleucine, which is neutral and non-polar, with valine, which is neutral and non-polar, at codon 240 of the LIG4 protein (p.Ile240Val). This variant is present in population databases (rs747189258, gnomAD 0.01%). This variant has not been reported in the literature in individuals affected with LIG4-related conditions. ClinVar contains an entry for this variant (Variation ID: 1365039). Invitae Evidence Modeling of protein sequence and biophysical properties (such as structural, functional, and spatial information, amino acid conservation, physicochemical variation, residue mobility, and thermodynamic stability) indicates that this missense variant is not expected to disrupt LIG4 protein function with a negative predictive value of 95%. In summary, the available evidence is currently insufficient to determine the role of this variant in disease. Therefore, it has been classified as a Variant of Uncertain Significance.